The following is an entry in ClinVar:

NM_001849.4(COL6A2):c.1530C>G (p.Pro510=)

Gene: COL6A2 (collagen type VI alpha 2 chain; plus strand). Cytogenetic location: 21q22.3.
Variant type: single nucleotide variant.
Coding change: c.1530C>G on transcript NM_001849.4 (MANE Select); coding-DNA position 1530, C replaced by G.
Protein change: p.Pro510=; no amino-acid change (proline 510 retained).
Molecular consequence: synonymous variant.
Genome position (GRCh38, 1-based): chr21:46,122,116, C>G. VCF-style: chr21-46122116-C-G. GRCh37 (hg19) VCF-style: chr21-47542030-C-G.
Other names: c.1530C>G, p.Pro510= (NM_058174.3, NM_058175.3); c.1530C>G (NM_001849.3).
Identifiers: ClinVar variation 1144942 (VCV001144942.10), dbSNP rs199842179, ClinGen allele CA10071967.

ClinVar aggregate classification (germline): Likely benign. Review status: criteria provided, single submitter (1 of 4 stars). 2 submissions from 2 submitters: Likely benign (1). 1 of the submissions does not count toward it. Last evaluated 2024-11-11.

Conditions:
Bethlem myopathy 1A. Also called: Bethlem myopathy 1; MYOPATHY, BENIGN CONGENITAL, WITH CONTRACTURES; Bethlem Muscular Dystrophy. Identifiers: Orphanet 610, MedGen CN029274, MONDO:0024530, OMIM 158810.
COL6A2-related disorder.

Allele frequency attached by ClinVar (database versions not stated): 1000 Genomes Project 0.00020; 1000 Genomes Project 30x 0.00031.
gnomAD v4.1: 6 of 1,612,676 alleles (0.00037%); highest among the groups gnomAD compares: East Asian, 0.011%; no homozygotes.

Submissions (2):

Labcorp Genetics (formerly Invitae), Labcorp
Classification: Likely benign for Bethlem myopathy 1A. Last evaluated: 2024-11-11. Review status: criteria provided, single submitter. Criteria: Invitae Variant Classification Sherloc (09022015). Collection method: clinical testing. Allele origin: germline.

PreventionGenetics, part of Exact Sciences
Classification: Likely benign for COL6A2-related condition. Last evaluated: 2024-06-21. Review status: no assertion criteria provided. Collection method: clinical testing. Allele origin: germline. Not counted in ClinVar's aggregate classification.
Comment: This variant is classified as likely benign based on ACMG/AMP sequence variant interpretation guidelines (Richards et al. 2015 PMID: 25741868, with internal and published modifications).